The following is an entry in ClinVar:

ClinVar aggregate classification (germline): Uncertain significance (1 of 4 stars; one submission).

Conditions:
Inborn genetic diseases. Identifiers: MedGen C0950123, MeSH D030342.

Submission:

Ambry Genetics
Classification: Uncertain significance for Inborn genetic diseases. Last evaluated: 2026-07-13. Review status: criteria provided, single submitter. Criteria: Ambry Variant Classification Scheme 2023. Collection method: clinical testing. Allele origin: germline.
Comment: The p.H483Y variant (also known as c.1447C>T), located in coding exon 13 of the KDM1A gene, results from a C to T substitution at nucleotide position 1447. The histidine at codon 483 is replaced by tyrosine, an amino acid with similar properties. This amino acid position is conserved. In addition, this alteration is predicted to be tolerated by in silico analysis. Based on the available evidence, the clinical significance of this variant remains unclear.

NM_001009999.3(KDM1A):c.1447C>T (p.His483Tyr)

Gene: KDM1A (lysine demethylase 1A; plus strand). Cytogenetic location: 1p36.12.
Variant type: single nucleotide variant.
Coding change: c.1447C>T on transcript NM_001009999.3 (MANE Select); coding-DNA position 1447, C replaced by T.
Protein change: p.His483Tyr; replaces histidine 483 with tyrosine.
Molecular consequence: missense variant.
Genome position (GRCh38, 1-based): chr1:23,071,258, C>T. VCF-style: chr1-23071258-C-T. GRCh37 (hg19) VCF-style: chr1-23397751-C-T.
Other names: c.1375C>T, p.His459Tyr (NM_001363654.2, NM_001410763.1, NM_015013.4); c.1435C>T, p.His479Tyr (NM_001410762.1); short protein forms H479Y, H483Y, H459Y.
Identifiers: ClinVar variation 5023067 (VCV005023067.1).
Genomic context (GRCh38, chr1:23,071,258, plus strand): 5'-TGGTAAATTTGTATTTTTCCTTCTTAGATGGTAAATTTGAAAGAGAAAATTAAAGAACTC[C>T]ATCAGCAATACAAAGAAGCATCTGAAGTAAAGCCACCCAGAGATATTACTGCCGAGTTCT-3'
Protein context (NP_001009999.1, residues 473-493): VNLKEKIKEL[His483Tyr]QQYKEASEVK